The following is an entry in ClinVar:

NM_006767.4(LZTR1):c.1349G>T (p.Gly450Val)

Gene: LZTR1 (leucine zipper like post translational regulator 1; plus strand). Cytogenetic location: 22q11.21.
Variant type: single nucleotide variant.
Coding change: c.1349G>T on transcript NM_006767.4 (MANE Select); coding-DNA position 1349, G replaced by T.
Protein change: p.Gly450Val; replaces glycine 450 with valine.
Molecular consequence: missense variant.
Genome position (GRCh38, 1-based): chr22:20,993,750, G>T. VCF-style: chr22-20993750-G-T. GRCh37 (hg19) VCF-style: chr22-21348039-G-T.
Other names: short protein forms G450V.
Identifiers: ClinVar variation 4615625 (VCV004615625.1).

ClinVar aggregate classification (germline): Uncertain significance (1 of 4 stars; one submission).

Conditions:
Cardiovascular phenotype. Identifiers: MedGen CN230736.
Hereditary cancer-predisposing syndrome. Also called: Neoplastic Syndromes, Hereditary; Tumor predisposition; Hereditary Cancer Syndrome; Hereditary neoplastic syndrome. Identifiers: Orphanet 140162, MedGen C0027672, MeSH D009386, MONDO:0015356.

Submission:

Ambry Genetics
Classification: Uncertain significance for Cardiovascular phenotype; Hereditary cancer-predisposing syndrome. Last evaluated: 2025-10-05. Review status: criteria provided, single submitter. Criteria: Ambry Variant Classification Scheme 2023. Collection method: clinical testing. Allele origin: germline.
Comment: The p.G450V variant (also known as c.1349G>T), located in coding exon 12 of the LZTR1 gene, results from a G to T substitution at nucleotide position 1349. The glycine at codon 450 is replaced by valine, an amino acid with dissimilar properties. This amino acid position is conserved. In addition, this alteration is predicted to be deleterious by in silico analysis. Based on the available evidence, the clinical significance of this variant remains unclear.